The following is an entry in ClinVar:

NM_000537.4(REN):c.1184G>A (p.Arg395Gln)

Gene: REN (renin; minus strand). Cytogenetic location: 1q32.1.
Variant type: single nucleotide variant.
Coding change: c.1184G>A on transcript NM_000537.4 (MANE Select); coding-DNA position 1184, G replaced by A.
Protein change: p.Arg395Gln; replaces arginine 395 with glutamine.
Molecular consequence: missense variant.
Genome position (GRCh38, 1-based): chr1:204,155,053, C>T on the plus strand (G>A on the coding strand, the complement: REN is on the minus strand). VCF-style: chr1-204155053-C-T. GRCh37 (hg19) VCF-style: chr1-204124181-C-T.
Other names: short protein forms R395Q.
Identifiers: ClinVar variation 2626755 (VCV002626755.2), dbSNP rs772034401, ClinGen allele CA344332210.

ClinVar aggregate classification (germline): Uncertain significance (1 of 4 stars; one submission).

Conditions:
Familial juvenile hyperuricemic nephropathy type 2 (ADTKD4). Also called: EARLY-ONSET HYPERURICEMIA, ANEMIA, AND PROGRESSIVE KIDNEY FAILURE; Autosomal Dominant Tubulointerstitial Kidney Disease – REN. Identifiers: Orphanet 217330, MedGen C2751310, MONDO:0013128, OMIM 613092.

gnomAD v4.1: 13 of 1,614,180 alleles (0.00081%); highest among the groups gnomAD compares: East Asian, 0.0067%; no homozygotes.

Submission:

Center for Human Genetics and Genomic Medicine, Uniklinik Rwth Aachen
Classification: Uncertain significance for Familial juvenile hyperuricemic nephropathy type 2. Last evaluated: 2023-10-10. Review status: criteria provided, single submitter. Criteria: ACMG Guidelines, 2015. Collection method: clinical testing. Allele origin: unknown. Inheritance: Autosomal dominant inheritance. Affected: yes. Observed: 1 heterozygote.
Comment: The detected change is not reported in the general population (gnomAD) (as of October 10, 2023). It has not yet been described in the ClinVar database or in the literature. From a bioinformatic perspective, the change is inconsistently classified as disease-causing (CADDphred 28.4, PolyPhen2), but also as “tolerated” and “benign” (SIFT, MutationTaster). The variant is currently considered a “variant of uncertain clinical significance” (ACMG criteria).